The following is an entry in ClinVar:

NM_000169.3(GLA):c.1040dup (p.Leu347fs)

Genes: GLA (galactosidase alpha; minus strand), RPL36A-HNRNPH2 (RPL36A-HNRNPH2 readthrough; plus strand). Cytogenetic location: Xq22.1.
Variant type: Duplication.
Coding change: c.1040dup on transcript NM_000169.3 (MANE Select); coding-DNA position 1040, one base duplicated (T; older notation c.1040dupT).
Protein change: p.Leu347fs; shifts the reading frame from leucine 347.
Molecular consequence: frameshift variant. On other transcripts: non-coding transcript variant (3), intron variant (2).
Genome position (GRCh38, 1-based): chrX:101,398,059, A duplicated on the plus strand (T on the coding strand, the reverse complement: GLA is on the minus strand); the first of 2 consecutive A bases (chrX:101,398,059-101,398,060); duplicating either gives the same sequence. VCF-style (leftmost placement, unchanged base first): chrX-101398058-T-TA. GRCh37 (hg19) VCF-style: chrX-100653046-T-TA.
Other names: c.1163dup, p.Leu388fs (NM_001406747.1); c.300+2603dup (NM_001199973.2); c.177+6238dup (NM_001199974.2); short protein forms L347fs, L388fs.
Identifiers: ClinVar variation 10754 (VCV000010754.4), dbSNP rs1928137855, ClinGen allele CA1139667716.

ClinVar aggregate classification (germline): Pathogenic. Review status: criteria provided, single submitter (1 of 4 stars). 2 submissions from 2 submitters: Pathogenic (1). 1 of the submissions does not count toward it. Last evaluated 2026-09-08.

Conditions:
Fabry disease. Also called: Ceramide trihexosidosis; Fabry's disease; CERAMIDE TRIHEXOSIDASE DEFICIENCY; GLA DEFICIENCY; HEREDITARY DYSTOPIC LIPIDOSIS; ALPHA-GALACTOSIDASE A DEFICIENCY. Identifiers: Orphanet 324, MedGen C0002986, MONDO:0010526, OMIM 301500, HP:0001071. Disease mechanism: Fabry disease is due to inactivating mutations in the X-linked GLA gene resulting in deficiency of the enzyme Alpha Galactosidase-A., loss of function.

Submissions (2):

Genomenon, Inc
Classification: Pathogenic for Fabry disease. Last evaluated: 2026-09-08. Review status: criteria provided, single submitter. Criteria: Genomenon Sequence Variant Interpretation Standards - Updated. Collection method: curation. Allele origin: germline. Affected: yes.
Comment: GLA p.Leu347PhefsTer28 (c.1040dup) is a frameshift variant that is predicted to introduce a premature termination codon and result in a truncated or absent protein product. This variant has been observed in at least one proband with clinical features consistent with Fabry disease (PMID:23566439). It is absent or not present at a significant frequency in gnomAD. In conclusion, we classify GLA p.Leu347PhefsTer28 (c.1040dup) as a pathogenic variant.

OMIM
Classification: Pathogenic for FABRY DISEASE. Last evaluated: 2017-06-16. Review status: no assertion criteria provided. Collection method: literature only. Allele origin: germline. Not counted in ClinVar's aggregate classification.

Literature cited by the submitters: PubMed 23566439 (cited by Genomenon, Inc); deJong, J. G. N., Jansen, P. P. M., van den Berg, C. J. M. G., Hamel, B. C. J., Wevers, R. A., Ploos van Amstel, J. K. Genetic heterogeneity in Fabry's disease: mutations in the alpha-galactosidase A gene. Proceedings of the 2nd International Duodecim Symposium. Molecular Biology of Lysosomal Disease, Majik, Finland 1993. (cited by OMIM).